The following is an entry in ClinVar:

NM_000209.4(PDX1):c.693C>G (p.Ser231=)

Gene: PDX1 (pancreatic and duodenal homeobox 1; plus strand). Cytogenetic location: 13q12.2.
Variant type: single nucleotide variant.
Coding change: c.693C>G on transcript NM_000209.4 (MANE Select); coding-DNA position 693, C replaced by G.
Protein change: p.Ser231=; no amino-acid change (serine 231 retained).
Molecular consequence: synonymous variant.
Genome position (GRCh38, 1-based): chr13:27,924,542, C>G. VCF-style: chr13-27924542-C-G. GRCh37 (hg19) VCF-style: chr13-28498679-C-G.
Other names: c.693C>G (NM_000209.3).
Identifiers: ClinVar variation 1979944 (VCV001979944.9), dbSNP rs200411304, ClinGen allele CA6927710.

ClinVar aggregate classification (germline): Likely benign. Review status: criteria provided, multiple submitters, no conflicts (2 of 4 stars). 4 submissions from 4 submitters: Likely benign (3). 1 of the submissions does not count toward it. Last evaluated 2024-10-30.

Conditions:
Maturity-onset diabetes of the young (MODY). Also called: Maturity onset diabetes mellitus in young. Identifiers: Orphanet 552, MedGen C0342276, MONDO:0018911, HP:0004904.
PDX1-related disorder. Also called: PDX1-related condition; PDX1-related disorders.

gnomAD v4.1: 5 of 1,580,024 alleles (0.00032%); highest among the groups gnomAD compares: Admixed American, 0.0036%; no homozygotes.

Submissions (4):

Blueprint Genetics
Classification: Likely benign. Last evaluated: 2024-10-30. Review status: criteria provided, single submitter. Criteria: ACMG Guidelines, 2015. Collection method: clinical testing. Allele origin: germline.

Ambry Genetics
Classification: Likely benign for Maturity-onset diabetes of the young. Last evaluated: 2023-07-13. Review status: criteria provided, single submitter. Criteria: Ambry Variant Classification Scheme 2023. Collection method: clinical testing. Allele origin: germline.

Labcorp Genetics (formerly Invitae), Labcorp
Classification: Likely benign. Last evaluated: 2022-03-28. Review status: criteria provided, single submitter. Criteria: Invitae Variant Classification Sherloc (09022015). Collection method: clinical testing. Allele origin: germline.

PreventionGenetics, part of Exact Sciences
Classification: Likely benign for PDX1-related condition. Last evaluated: 2024-02-26. Review status: no assertion criteria provided. Collection method: clinical testing. Allele origin: germline. Not counted in ClinVar's aggregate classification.
Comment: This variant is classified as likely benign based on ACMG/AMP sequence variant interpretation guidelines (Richards et al. 2015 PMID: 25741868, with internal and published modifications).